The following is an entry in ClinVar:

NM_002437.5(MPV17):c.61C>G (p.Leu21Val)

Gene: MPV17 (mitochondrial inner membrane protein MPV17; minus strand). Cytogenetic location: 2p23.3.
Variant type: single nucleotide variant.
Coding change: c.61C>G on transcript NM_002437.5 (MANE Select); coding-DNA position 61, C replaced by G.
Protein change: p.Leu21Val; replaces leucine 21 with valine.
Molecular consequence: missense variant.
Genome position (GRCh38, 1-based): chr2:27,322,457, G>C on the plus strand (C>G on the coding strand, the complement: MPV17 is on the minus strand). VCF-style: chr2-27322457-G-C. GRCh37 (hg19) VCF-style: chr2-27545324-G-C.
Other names: short protein forms L21V.
Identifiers: ClinVar variation 284160 (VCV000284160.21), dbSNP rs200504529, ClinGen allele CA1575719.

ClinVar aggregate classification (germline): Conflicting classifications of pathogenicity. Review status: criteria provided, conflicting classifications (1 of 4 stars). 5 submissions from 5 submitters: Uncertain significance (2); Likely benign (1). 2 of the submissions do not count toward it. Last evaluated 2026-05-12.

Conditions:
Mitochondrial DNA depletion syndrome 6 (hepatocerebral type). Also called: Mitochondrial DNA depletion syndrome type 6; NAVAJO NEUROPATHY; Navajo neurohepatopathy. Identifiers: Orphanet 255229, MedGen C1850406, MONDO:0009747, OMIM 256810.
MPV17-related disorder. Also called: MPV17-related condition; MPV17-related disorders. Identifiers: MedGen CN239328.

Allele frequency attached by ClinVar (database versions not stated): gnomAD exomes 0.00004 and 0.00018; gnomAD 0.00011 and 0.00013; TOPMed 0.00011; ExAC 0.00012.
gnomAD v4.1: 74 of 1,613,946 alleles (0.0046%); highest among the groups gnomAD compares: East Asian, 0.14%; no homozygotes.

Submissions (5):

GeneDx
Classification: Uncertain significance. Last evaluated: 2026-05-12. Review status: criteria provided, single submitter. Criteria: GeneDx Variant Classification Process June 2021. Collection method: clinical testing. Allele origin: germline.
Comment: Has not been previously published as pathogenic or benign to our knowledge; Missense variants in this gene are a common cause of disease and they are underrepresented in the general population; In silico analysis suggests that this missense variant does not alter protein structure/function

Labcorp Genetics (formerly Invitae), Labcorp
Classification: Likely benign. Last evaluated: 2025-06-23. Review status: criteria provided, single submitter. Criteria: Invitae Variant Classification Sherloc (09022015). Collection method: clinical testing. Allele origin: germline.

Eurofins Ntd Llc (ga)
Classification: Uncertain significance. Last evaluated: 2015-10-29. Review status: criteria provided, single submitter. Criteria: EGL Classification Definitions 2015. Collection method: clinical testing. Allele origin: germline. Observed: 1 variant allele, 1 heterozygote.

PreventionGenetics, part of Exact Sciences
Classification: Likely benign for MPV17-related condition. Last evaluated: 2023-03-23. Review status: no assertion criteria provided. Collection method: clinical testing. Allele origin: germline. Not counted in ClinVar's aggregate classification.
Comment: This variant is classified as likely benign based on ACMG/AMP sequence variant interpretation guidelines (Richards et al. 2015 PMID: 25741868, with internal and published modifications).

Natera, Inc.
Classification: Likely benign for Navajo neurohepatopathy. Last evaluated: 2020-01-09. Review status: no assertion criteria provided. Collection method: clinical testing. Allele origin: germline. Not counted in ClinVar's aggregate classification.